The following is an entry in ClinVar:

NC_000017.11:g.31008617C>T

Gene: RNF135 (ring finger protein 135; plus strand). Cytogenetic location: 17q11.2.
Variant type: single nucleotide variant.
Molecular consequence: non-coding transcript variant (on NR_171379.1).
Genome position: GRCh38 VCF-style: chr17-31008617-C-T. GRCh37 (hg19) VCF-style: chr17-29335635-C-T.
Other names: c.-135C>T (NM_001350575.2, NM_001350578.2, NM_001350579.1).
Identifiers: ClinVar variation 2647626 (VCV002647626.24), dbSNP rs186255047, ClinGen allele CA16538085.

ClinVar aggregate classification (germline): Likely benign (1 of 4 stars; one submission).

Allele frequency attached by ClinVar (database versions not stated): 1000 Genomes Project 0.00140; 1000 Genomes Project 30x 0.00141; TOPMed 0.00532; gnomAD 0.00561; gnomAD exomes 0.00909.

Submission:

CeGaT Center for Human Genetics Tuebingen
Classification: Likely benign. Last evaluated: 2023-02-01. Review status: criteria provided, single submitter. Criteria: CeGaT Center For Human Genetics Tuebingen Variant Classification Criteria Version 2. Collection method: clinical testing. Allele origin: germline. Affected: yes. Observed: 1 variant allele.
Comment: RNF135: BS2